The following is an entry in ClinVar:

ClinVar aggregate classification (germline): Uncertain significance. Review status: criteria provided, multiple submitters, no conflicts (2 of 4 stars). 2 submissions from 2 submitters: Uncertain significance (2). Last evaluated 2022-09-27.

Allele frequency attached by ClinVar (database versions not stated): gnomAD exomes below 0.00001; ExAC 0.00002.

Submissions (2):

Labcorp Genetics (formerly Invitae), Labcorp
Classification: Uncertain significance. Last evaluated: 2022-09-27. Review status: criteria provided, single submitter. Criteria: Invitae Variant Classification Sherloc (09022015). Collection method: clinical testing. Allele origin: germline.
Comment: Advanced modeling of protein sequence and biophysical properties (such as structural, functional, and spatial information, amino acid conservation, physicochemical variation, residue mobility, and thermodynamic stability) performed at Invitae indicates that this missense variant is expected to disrupt THBD protein function. In summary, the available evidence is currently insufficient to determine the role of this variant in disease. Therefore, it has been classified as a Variant of Uncertain Significance. This variant has not been reported in the literature in individuals affected with THBD-related conditions. This sequence change replaces glycine, which is neutral and non-polar, with tryptophan, which is neutral and slightly polar, at codon 277 of the THBD protein (p.Gly277Trp). The frequency data for this variant in the population databases is considered unreliable, as metrics indicate poor data quality at this position in the gnomAD database.

Blueprint Genetics
Classification: Uncertain significance. Last evaluated: 2021-03-12. Review status: criteria provided, single submitter. Criteria: ACMG Guidelines, 2015. Collection method: clinical testing. Allele origin: germline.

NM_000361.3(THBD):c.829G>T (p.Gly277Trp)

Gene: THBD (thrombomodulin; minus strand). Cytogenetic location: 20p11.21.
Variant type: single nucleotide variant.
Coding change: c.829G>T on transcript NM_000361.3 (MANE Select); coding-DNA position 829, G replaced by T.
Protein change: p.Gly277Trp; replaces glycine 277 with tryptophan.
Molecular consequence: missense variant.
Genome position (GRCh38, 1-based): chr20:23,048,676, C>A on the plus strand (G>T on the coding strand, the complement: THBD is on the minus strand). VCF-style: chr20-23048676-C-A. GRCh37 (hg19) VCF-style: chr20-23029313-C-A.
Other names: short protein forms G277W.
Identifiers: ClinVar variation 1914955 (VCV001914955.6), dbSNP rs753008981, ClinGen allele CA9787690.
Genomic context (GRCh38, chr20:23,048,676, plus strand): 5'-CGCAGAAGTGCTCGCAGAGGTCGTTGCAGGACTGCGTCGCGGATGCGGTGCAGGAGCGCC[C>A]GTCTGCCTGCAGGGCGGCGCCGGCTGGGCACTGGCAGCGGGGAGCCCCAGGGATCGCATT-3'
Protein context (NP_000352.1, residues 267-287): CPAGAALQAD[Gly277Trp]RSCTASATQS